The following is an entry in ClinVar:

ClinVar aggregate classification (germline): Uncertain significance (1 of 4 stars; one submission).

Conditions:
Hereditary cancer-predisposing syndrome. Also called: Tumor predisposition; Hereditary Cancer Syndrome; Hereditary neoplastic syndrome; Neoplastic Syndromes, Hereditary. Identifiers: Orphanet 140162, MedGen C0027672, MeSH D009386, MONDO:0015356.

Submission:

Ambry Genetics
Classification: Uncertain significance for Hereditary cancer-predisposing syndrome. Last evaluated: 2025-09-17. Review status: criteria provided, single submitter. Criteria: Ambry Variant Classification Scheme 2023. Collection method: clinical testing. Allele origin: germline.
Comment: The p.S608R variant (also known as c.1824C>A), located in coding exon 16 of the TSC2 gene, results from a C to A substitution at nucleotide position 1824. The serine at codon 608 is replaced by arginine, an amino acid with dissimilar properties. This amino acid position is conserved. In addition, this alteration is predicted to be deleterious by in silico analysis. Based on the available evidence, the clinical significance of this variant remains unclear.

NM_000548.5(TSC2):c.1824C>A (p.Ser608Arg)

Gene: TSC2 (TSC complex subunit 2; plus strand). Cytogenetic location: 16p13.3.
Variant type: single nucleotide variant.
Coding change: c.1824C>A on transcript NM_000548.5 (MANE Select); coding-DNA position 1824, C replaced by A.
Protein change: p.Ser608Arg; replaces serine 608 with arginine.
Molecular consequence: missense variant. On other transcripts: non-coding transcript variant (5).
Genome position (GRCh38, 1-based): chr16:2,070,563, C>A. VCF-style: chr16-2070563-C-A. GRCh37 (hg19) VCF-style: chr16-2120564-C-A.
Other names: c.1824C>A, p.Ser608Arg (NM_001077183.3, NM_001114382.3, NM_001363528.2 and 6 more transcripts); c.1713C>A, p.Ser571Arg (NM_001318827.2, NM_001406670.1, NM_001406678.1); c.1677C>A, p.Ser559Arg (NM_001318829.2, NM_001406675.1, NM_001406676.1 and 1 more transcripts); c.1224C>A, p.Ser408Arg (NM_001318831.2, NM_001406680.1, NM_001406682.1 and 6 more transcripts); c.1857C>A, p.Ser619Arg (NM_001318832.2); c.1914C>A, p.Ser638Arg (NM_001406667.1, NM_001406668.1); c.1812C>A, p.Ser604Arg (NM_001406671.1, NM_001406673.1); c.1767C>A, p.Ser589Arg (NM_001406677.1); and 3 more; short protein forms S604R, S619R, S638R, S559R, S608R, S571R, S74R, S160R.
Identifiers: ClinVar variation 4556627 (VCV004556627.1).
Genomic context (GRCh38, chr16:2,070,563, plus strand): 5'-GATGCTGGTCAGCCACATTCAGCTCCACTACAAGCACAGCTACACCCTGCCAATCGCGAG[C>A]AGCATCCGGCTGCAGGTATGGTGGCTGGGGTTGCGCAGCCAGTTCCTGGGGGCCCAGCCA-3'
Protein context (NP_000539.2, residues 598-618): YKHSYTLPIA[Ser608Arg]SIRLQAFDFL